The following is an entry in ClinVar:

NM_003392.7(WNT5A):c.391+4G>A

Gene: WNT5A (Wnt family member 5A; minus strand). Cytogenetic location: 3p14.3.
Variant type: single nucleotide variant.
Coding change: c.391+4G>A on transcript NM_003392.7 (MANE Select); 4 bases into the intron after coding-DNA position 391, G replaced by A.
Molecular consequence: intron variant.
Genome position (GRCh38, 1-based): chr3:55,479,310, C>T on the plus strand (G>A on the coding strand, the complement: WNT5A is on the minus strand). VCF-style: chr3-55479310-C-T. GRCh37 (hg19) VCF-style: chr3-55513338-C-T.
Other names: c.346+4G>A (NM_001377271.1, NM_001377272.1, NM_001256105.1).
Identifiers: ClinVar variation 2416547 (VCV002416547.7), dbSNP rs2471314748, ClinGen allele CA2580070313.

ClinVar aggregate classification (germline): Uncertain significance. Review status: criteria provided, multiple submitters, no conflicts (2 of 4 stars). 2 submissions from 2 submitters: Uncertain significance (2). Last evaluated 2024-03-24.

Conditions:
Autosomal dominant Robinow syndrome 1. Also called: Covesdem syndrome (formerly); Costovertebral segmentation defect with mesomelia (formerly); ROBINOW DWARFISM; ACRAL DYSOSTOSIS WITH FACIAL AND GENITAL ABNORMALITIES; FETAL FACE SYNDROME; WNT5A-Related Robinow Syndrome, Autosomal Dominant. Identifiers: Orphanet 3107, Orphanet 97360, MedGen C4551475, MONDO:0024455, OMIM 180700.

gnomAD v4.1: 1 of 1,516,200 alleles (0.000066%); highest among the groups gnomAD compares: Admixed American, 0.0021%; no homozygotes.

Submissions (2):

Fulgent Genetics
Classification: Uncertain significance for Autosomal dominant Robinow syndrome 1. Last evaluated: 2024-03-24. Review status: criteria provided, single submitter. Criteria: ACMG Guidelines, 2015. Collection method: clinical testing. Allele origin: germline.

Labcorp Genetics (formerly Invitae), Labcorp
Classification: Uncertain significance. Last evaluated: 2022-05-20. Review status: criteria provided, single submitter. Criteria: Invitae Variant Classification Sherloc (09022015). Collection method: clinical testing. Allele origin: germline.
Comment: This variant has not been reported in the literature in individuals affected with WNT5A-related conditions. In summary, the available evidence is currently insufficient to determine the role of this variant in disease. Therefore, it has been classified as a Variant of Uncertain Significance. Variants that disrupt the consensus splice site are a relatively common cause of aberrant splicing (PMID: 17576681, 9536098). Algorithms developed to predict the effect of sequence changes on RNA splicing suggest that this variant is not likely to affect RNA splicing. This variant is not present in population databases (gnomAD no frequency). This sequence change falls in intron 3 of the WNT5A gene. It does not directly change the encoded amino acid sequence of the WNT5A protein. It affects a nucleotide within the consensus splice site.

Literature cited by the submitters: PubMed 17576681 (cited by Labcorp Genetics (formerly Invitae), Labcorp); PubMed 9536098 (cited by Labcorp Genetics (formerly Invitae), Labcorp).